The following is an entry in ClinVar:

ClinVar aggregate classification (germline): Uncertain significance (1 of 4 stars; one submission).

Conditions:
GLS-related disorder. Also called: GLS-related condition.

Submission:

PreventionGenetics, part of Exact Sciences
Classification: Uncertain significance for GLS-related condition. Last evaluated: 2025-11-24. Review status: criteria provided, single submitter. Criteria: ACMG Guidelines, 2015. Collection method: clinical testing. Allele origin: germline.
Comment: The GLS c.481A>G variant is predicted to result in the amino acid substitution p.Thr161Ala. To our knowledge, this variant has not been reported in the literature or in a large population database (gnomAD), indicating this variant is rare. At this time, the clinical significance of this variant is uncertain due to the absence of conclusive functional and genetic evidence.

NM_014905.5(GLS):c.481A>G (p.Thr161Ala)

Gene: GLS (glutaminase; plus strand). Cytogenetic location: 2q32.2.
Variant type: single nucleotide variant.
Coding change: c.481A>G on transcript NM_014905.5 (MANE Select); coding-DNA position 481, A replaced by G.
Protein change: p.Thr161Ala; replaces threonine 161 with alanine.
Molecular consequence: missense variant.
Genome position (GRCh38, 1-based): chr2:190,895,246, A>G. VCF-style: chr2-190895246-A-G. GRCh37 (hg19) VCF-style: chr2-191759972-A-G.
Other names: c.481A>G, p.Thr161Ala (NM_001256310.2, NM_001437282.1, NM_001437283.1); short protein forms T161A.
Identifiers: ClinVar variation 4996103 (VCV004996103.1).